The following is an entry in ClinVar:

ClinVar aggregate classification (germline): Uncertain significance (1 of 4 stars; one submission).

Conditions:
Cardiovascular phenotype. Identifiers: MedGen CN230736.

Submission:

Ambry Genetics
Classification: Uncertain significance for Cardiovascular phenotype. Last evaluated: 2026-05-14. Review status: criteria provided, single submitter. Criteria: Ambry Variant Classification Scheme 2023. Collection method: clinical testing. Allele origin: germline.
Comment: The p.A557T variant (also known as c.1669G>A), located in coding exon 17 of the EYA4 gene, results from a G to A substitution at nucleotide position 1669. The alanine at codon 557 is replaced by threonine, an amino acid with similar properties. This amino acid position is conserved. In addition, this alteration is predicted to be deleterious by in silico analysis. Based on the available evidence, the clinical significance of this variant remains unclear.

NM_004100.5(EYA4):c.1669G>A (p.Ala557Thr)

Genes: EYA4 (EYA transcriptional coactivator and phosphatase 4; plus strand), TARID (TCF21 antisense RNA inducing promoter demethylation; minus strand). Cytogenetic location: 6q23.2.
Variant type: single nucleotide variant.
Coding change: c.1669G>A on transcript NM_004100.5 (MANE Select); coding-DNA position 1669, G replaced by A.
Protein change: p.Ala557Thr; replaces alanine 557 with threonine.
Molecular consequence: missense variant.
Genome position (GRCh38, 1-based): chr6:133,523,108, G>A. VCF-style: chr6-133523108-G-A. GRCh37 (hg19) VCF-style: chr6-133844246-G-A.
Other names: c.1507G>A, p.Ala503Thr (NM_001301012.2); c.1687G>A, p.Ala563Thr (NM_001301013.2); c.1600G>A, p.Ala534Thr (NM_001370458.1, NM_172103.4); c.1525G>A, p.Ala509Thr (NM_001370459.1); c.1669G>A, p.Ala557Thr (NM_172105.4); short protein forms A503T, A509T, A534T, A557T, A563T.
Identifiers: ClinVar variation 4870722 (VCV004870722.1).